The following is an entry in ClinVar:

NM_001003694.2(BRPF1):c.218A>G (p.Lys73Arg)

Gene: BRPF1 (bromodomain and PHD finger containing 1; plus strand). Cytogenetic location: 3p25.3.
Variant type: single nucleotide variant.
Coding change: c.218A>G on transcript NM_001003694.2 (MANE Select); coding-DNA position 218, A replaced by G.
Protein change: p.Lys73Arg; replaces lysine 73 with arginine.
Molecular consequence: missense variant. On other transcripts: non-coding transcript variant (1).
Genome position (GRCh38, 1-based): chr3:9,734,358, A>G. VCF-style: chr3-9734358-A-G. GRCh37 (hg19) VCF-style: chr3-9776042-A-G.
Other names: c.218A>G, p.Lys73Arg (NM_001319049.2, NM_001319050.2, NM_004634.3); short protein forms K73R.
Identifiers: ClinVar variation 1699306 (VCV001699306.4), dbSNP rs1447732161, ClinGen allele CA351679478.

ClinVar aggregate classification (germline): Uncertain significance. Review status: criteria provided, multiple submitters, no conflicts (2 of 4 stars). 2 submissions from 2 submitters: Uncertain significance (2). Last evaluated 2022-06-24.

Conditions:
Intellectual developmental disorder with dysmorphic facies and ptosis (IDDDFP). Identifiers: Orphanet 698090, MedGen C4310617, MONDO:0015022, OMIM 617333.

Allele frequency attached by ClinVar (database versions not stated): gnomAD exomes below 0.00001.
gnomAD v4.1: 5 of 1,614,080 alleles (0.00031%); highest among the groups gnomAD compares: Non-Finnish European, 0.00042%; no homozygotes.

Submissions (2):

Victorian Clinical Genetics Services, Murdoch Childrens Research Institute
Classification: Uncertain significance for Intellectual developmental disorder with dysmorphic facies and ptosis. Last evaluated: 2022-06-24. Review status: criteria provided, single submitter. Criteria: ACMG Guidelines, 2015. Collection method: clinical testing. Allele origin: germline. Inheritance: Autosomal dominant inheritance.
Comment: Based on the classification scheme VCGS_Germline_v1.3.4, this variant is classified as VUS-3C. Following criteria are met: 0102 - Loss of function is a known mechanism of disease in this gene and is associated with intellectual developmental disorder with dysmorphic facies and ptosis (MIM#617333). (I) 0107 - This gene is associated with autosomal dominant disease. (I) 0115 - Variants in this gene are known to have variable expressivity (OMIM, PMID: 32010779). (I) 0200 - Variant is predicted to result in a missense amino acid change from lysine to arginine. (I) 0251 - This variant is heterozygous. (I) 0302 - Variant is present in gnomAD (v2) <0.001 for a dominant condition (1 heterozygote, 0 homozygotes). (SP) 0309 - An alternative amino acid change at the same position has been observed in gnomAD (v2) (1 heterozygote, 0 homozygotes). (I) 0503 - Missense variant consistently predicted to be tolerated by multiple in silico tools or not conserved in placental mammals with a minor amino acid change. (SB) 0604 - Variant is not located in an established domain, motif, hotspot or informative constraint region. (I) 0705 - No comparable missense variants have previous evidence for pathogenicity. (I) 0807 - This variant has no previous evidence of pathogenicity. (I) 0905 - No published segregation evidence has been identified for this variant. (I) 1007 - No published functional evidence has been identified for this variant. (I) 1208 - Inheritance information for this variant is not currently available in this individual. (I) Legend: (SP) - Supporting pathogenic, (I) - Information, (SB) - Supporting benign

Blueprint Genetics
Classification: Uncertain significance. Last evaluated: 2022-01-05. Review status: criteria provided, single submitter. Criteria: ACMG Guidelines, 2015. Collection method: clinical testing. Allele origin: germline.

Literature cited by the submitters: PubMed 32010779 (cited by Victorian Clinical Genetics Services, Murdoch Childrens Research Institute).